The following is an entry in ClinVar:

ClinVar aggregate classification (germline): Likely benign (1 of 4 stars; one submission).

Conditions:
Luscan-Lumish syndrome. Identifiers: Orphanet 597738, MedGen C4085873, MONDO:0014791, OMIM 616831.

Submission:

Victorian Clinical Genetics Services, Murdoch Childrens Research Institute
Classification: Likely benign for Luscan-Lumish syndrome. Last evaluated: 2023-07-16. Review status: criteria provided, single submitter. Criteria: ACMG Guidelines, 2015. Collection method: clinical testing. Allele origin: germline. Inheritance: Autosomal dominant inheritance. Affected: yes.
Comment: Based on the classification scheme VCGS_Germline_v1.3.4, this variant is classified as Likely benign. Following criteria are met: 0102 - Loss of function is a known mechanism of disease in this gene and is associated with Luscan-Lumish syndrome (MIM#616831). (I) 0107 - This gene is associated with autosomal dominant disease. (I) 0115 - Variants in this gene are known to have variable expressivity, where some patients do not present with overgrowth or obesity (PMID: 29681085). (I) 0200 - Variant is predicted to result in a missense amino acid change from arginine to cysteine. (I) 0251 - This variant is heterozygous. (I) 0301 - Variant is absent from gnomAD (both v2 and v3). (SP) 0501 - Missense variant consistently predicted to be damaging by multiple in silico tools or highly conserved with a major amino acid change. (SP) 0603 - Missense variant in a region that is highly intolerant to missense variation (high constraint region in DECIPHER). (SP) 0705 - No comparable missense variants have previous evidence for pathogenicity. (I) 0807 - This variant has no previous evidence of pathogenicity. (I) 0904 - Non-segregation of this variant with the phenotype under investigation has been clearly demonstrated. (SB) 1007 - No published functional evidence has been identified for this variant. (I) Legend: (SP) - Supporting pathogenic, (I) - Information, (SB) - Supporting benign

Literature cited by the submitters: PubMed 29681085.

NM_014159.7(SETD2):c.5128C>T (p.Arg1710Cys)

Gene: SETD2 (SET domain containing 2, histone lysine methyltransferase; minus strand). Cytogenetic location: 3p21.31.
Variant type: single nucleotide variant.
Coding change: c.5128C>T on transcript NM_014159.7 (MANE Select); coding-DNA position 5128, C replaced by T.
Protein change: p.Arg1710Cys; replaces arginine 1710 with cysteine.
Molecular consequence: missense variant. On other transcripts: non-coding transcript variant (1).
Genome position (GRCh38, 1-based): chr3:47,097,969, G>A on the plus strand (C>T on the coding strand, the complement: SETD2 is on the minus strand). VCF-style: chr3-47097969-G-A. GRCh37 (hg19) VCF-style: chr3-47139459-G-A.
Other names: c.4996C>T, p.Arg1666Cys (NM_001349370.3); short protein forms R1666C, R1710C.
Identifiers: ClinVar variation 1699213 (VCV001699213.3), dbSNP rs2107674100, ClinGen allele CA352511847.